The following is an entry in ClinVar:

ClinVar aggregate classification (germline): Uncertain significance (1 of 4 stars; one submission).

Allele frequency attached by ClinVar (database versions not stated): gnomAD exomes below 0.00001.
gnomAD v4.1: 6 of 1,613,584 alleles (0.00037%); highest among the groups gnomAD compares: Non-Finnish European, 0.00051%; no homozygotes.

Submission:

Laboratory for Molecular Medicine, Mass General Brigham Personalized Medicine
Classification: Uncertain significance. Last evaluated: 2016-03-31. Review status: criteria provided, single submitter. Criteria: LMM Criteria. Collection method: clinical testing. Allele origin: germline. Observed: 1 variant allele.
Comment: The p.Asp4571Gly variant in GPR98 has not been previously reported in individual s with hearing loss or in large population studies. Computational prediction too ls and conservation analyses suggest that the p.Asp4571Gly variant may impact th e protein, though this information is not predictive enough to determine pathoge nicity. In summary, the clinical significance of the p.Asp4571Gly variant is unc ertain.

NM_032119.4(ADGRV1):c.13712A>G (p.Asp4571Gly)

Gene: ADGRV1 (adhesion G protein-coupled receptor V1; plus strand). Cytogenetic location: 5q14.3.
Variant type: single nucleotide variant.
Coding change: c.13712A>G on transcript NM_032119.4 (MANE Select); coding-DNA position 13712, A replaced by G.
Protein change: p.Asp4571Gly; replaces aspartic acid 4571 with glycine.
Molecular consequence: missense variant. On other transcripts: non-coding transcript variant (1).
Genome position (GRCh38, 1-based): chr5:90,788,129, A>G. VCF-style: chr5-90788129-A-G. GRCh37 (hg19) VCF-style: chr5-90083946-A-G.
Other names: short protein forms D4571G.
Identifiers: ClinVar variation 228710 (VCV000228710.4), dbSNP rs876657820, ClinGen allele CA10576672.
Genomic context (GRCh38, chr5:90,788,129, plus strand): 5'-AGGTGAACTGGGAGACAGTAGGACCCAACTCTCAAGAAGCCTTACTGCCACAGAATAGAG[A>G]CATTGCAGACCCAGTGAGCGGGTTGTTCTATTTTGGAGAAGGAGAAGGAGGAGTGAGAAC-3'
Protein context (NP_115495.3, residues 4561-4581): SQEALLPQNR[Asp4571Gly]IADPVSGLFY